The following is an entry in ClinVar:

ClinVar aggregate classification (germline): Uncertain significance (1 of 4 stars; one submission).

Conditions:
Inborn genetic diseases. Identifiers: MedGen C0950123, MeSH D030342.

gnomAD v4.1: 2 of 1,612,888 alleles (0.00012%); highest among the groups gnomAD compares: Non-Finnish European, 0.00017%; no homozygotes.

Submission:

Ambry Genetics
Classification: Uncertain significance for Inborn genetic diseases. Last evaluated: 2026-04-22. Review status: criteria provided, single submitter. Criteria: Ambry Variant Classification Scheme 2023. Collection method: clinical testing. Allele origin: germline.
Comment: The p.G184E variant (also known as c.551G>A), located in coding exon 3 of the KDM1A gene, results from a G to A substitution at nucleotide position 551. The glycine at codon 184 is replaced by glutamic acid, an amino acid with similar properties. This amino acid position is conserved. In addition, this alteration is predicted to be tolerated by in silico analysis. Based on the available evidence, the clinical significance of this variant remains unclear.

NM_001009999.3(KDM1A):c.551G>A (p.Gly184Glu)

Gene: KDM1A (lysine demethylase 1A; plus strand). Cytogenetic location: 1p36.12.
Variant type: single nucleotide variant.
Coding change: c.551G>A on transcript NM_001009999.3 (MANE Select); coding-DNA position 551, G replaced by A.
Protein change: p.Gly184Glu; replaces glycine 184 with glutamic acid.
Molecular consequence: missense variant. On other transcripts: intron variant (3).
Genome position (GRCh38, 1-based): chr1:23,044,460, G>A. VCF-style: chr1-23044460-G-A. GRCh37 (hg19) VCF-style: chr1-23370953-G-A.
Other names: c.551G>A, p.Gly184Glu (NM_001410762.1); c.518-5927G>A (NM_001363654.2, NM_001410763.1, NM_015013.4); short protein forms G184E.
Identifiers: ClinVar variation 4858719 (VCV004858719.1).